The following is an entry in ClinVar:

ClinVar aggregate classification (germline): Uncertain significance (1 of 4 stars; one submission).

gnomAD v4.1: 10 of 1,588,936 alleles (0.00063%); highest among the groups gnomAD compares: Non-Finnish European, 0.00077%; no homozygotes.

Submission:

Labcorp Genetics (formerly Invitae), Labcorp
Classification: Uncertain significance. Last evaluated: 2025-12-27. Review status: criteria provided, single submitter. Criteria: Invitae Variant Classification Sherloc (09022015). Collection method: clinical testing. Allele origin: germline.
Comment: This sequence change replaces serine, which is neutral and polar, with asparagine, which is neutral and polar, at codon 316 of the TCF3 protein (p.Ser316Asn). The frequency data for this variant in the population databases is considered unreliable, as metrics indicate poor data quality at this position in the gnomAD database. This variant has not been reported in the literature in individuals affected with TCF3-related conditions. Invitae Evidence Modeling of protein sequence and biophysical properties (such as structural, functional, and spatial information, amino acid conservation, physicochemical variation, residue mobility, and thermodynamic stability) indicates that this missense variant is not expected to disrupt TCF3 protein function with a negative predictive value of 80%. In summary, the available evidence is currently insufficient to determine the role of this variant in disease. Therefore, it has been classified as a Variant of Uncertain Significance.

NM_003200.5(TCF3):c.947G>A (p.Ser316Asn)

Gene: TCF3 (transcription factor 3; minus strand). Cytogenetic location: 19p13.3.
Variant type: single nucleotide variant.
Coding change: c.947G>A on transcript NM_003200.5 (MANE Select); coding-DNA position 947, G replaced by A.
Protein change: p.Ser316Asn; replaces serine 316 with asparagine.
Molecular consequence: missense variant.
Genome position (GRCh38, 1-based): chr19:1,621,846, C>T on the plus strand (G>A on the coding strand, the complement: TCF3 is on the minus strand). VCF-style: chr19-1621846-C-T. GRCh37 (hg19) VCF-style: chr19-1621845-C-T.
Other names: c.947G>A, p.Ser316Asn (NM_001136139.4, NM_001351778.2, NM_001351779.2); short protein forms S316N.
Identifiers: ClinVar variation 4693872 (VCV004693872.1).